The following is an entry in ClinVar:

ClinVar aggregate classification (germline): Uncertain significance (1 of 4 stars; one submission).

Conditions:
Hereditary cancer-predisposing syndrome. Also called: Tumor predisposition; Hereditary Cancer Syndrome; Hereditary neoplastic syndrome; Neoplastic Syndromes, Hereditary. Identifiers: Orphanet 140162, MedGen C0027672, MeSH D009386, MONDO:0015356.

gnomAD v4.1: 1 of 1,614,208 alleles (0.000062%); highest among the groups gnomAD compares: South Asian, 0.0011%; no homozygotes.

Submission:

Ambry Genetics
Classification: Uncertain significance for Hereditary cancer-predisposing syndrome. Last evaluated: 2023-07-27. Review status: criteria provided, single submitter. Criteria: Ambry Variant Classification Scheme 2023. Collection method: clinical testing. Allele origin: germline.
Comment: The p.E254G variant (also known as c.761A>G), located in coding exon 7 of the EPCAM gene, results from an A to G substitution at nucleotide position 761. The glutamic acid at codon 254 is replaced by glycine, an amino acid with similar properties. This amino acid position is conserved. In addition, the in silico prediction for this alteration is inconclusive. Since supporting evidence is limited at this time, the clinical significance of this alteration remains unclear.

NM_002354.3(EPCAM):c.761A>G (p.Glu254Gly)

Gene: EPCAM (epithelial cell adhesion molecule; plus strand). Cytogenetic location: 2p21.
Variant type: single nucleotide variant.
Coding change: c.761A>G on transcript NM_002354.3 (MANE Select); coding-DNA position 761, A replaced by G.
Protein change: p.Glu254Gly; replaces glutamic acid 254 with glycine.
Molecular consequence: missense variant.
Genome position (GRCh38, 1-based): chr2:47,379,872, A>G. VCF-style: chr2-47379872-A-G. GRCh37 (hg19) VCF-style: chr2-47607011-A-G.
Other names: short protein forms E254G.
Identifiers: ClinVar variation 2602107 (VCV002602107.2), dbSNP rs771063031, ClinGen allele CA346724654.